The following is an entry in ClinVar:

ClinVar aggregate classification (germline): Pathogenic. Review status: criteria provided, multiple submitters, no conflicts (2 of 4 stars). 5 submissions from 5 submitters: Pathogenic (3). 2 of the submissions do not count toward it. Last evaluated 2024-06-17.

Conditions:
TRPV4-related disorder. Also called: TRPV4-related condition; TRPV4-related disorders.
Skeletal dysplasia. Also called: Primary bone dysplasia. Identifiers: Orphanet 364526, MedGen C0410528, MONDO:0018230, HP:0002652.
Charcot-Marie-Tooth disease axonal type 2C (HMSN2C). Also called: Charcot-Marie-Tooth Disease Type 2, TRPV4-Related (CMT2C); CHARCOT-MARIE-TOOTH DISEASE, AXONAL, AUTOSOMAL DOMINANT, TYPE 2C; Charcot-Marie-Tooth Neuropathy Type 2C. Identifiers: Orphanet 99937, MedGen C1853710, MONDO:0011633, OMIM 606071.
Brachyrachia (short spine dysplasia) (BCYM3). Also called: Brachyolmia, TRPV4-Related; Brachyolmia Type 3; BRACHYRACHIA; Autosomal dominant brachyolmia. Identifiers: Orphanet 93304, MedGen C0432227, MONDO:0007232, OMIM 113500.

Submissions (5):

Labcorp Genetics (formerly Invitae), Labcorp
Classification: Pathogenic for Charcot-Marie-Tooth disease axonal type 2C. Last evaluated: 2024-06-17. Review status: criteria provided, single submitter. Criteria: Invitae Variant Classification Sherloc (09022015). Collection method: clinical testing. Allele origin: germline.
Comment: This sequence change replaces arginine, which is basic and polar, with glutamine, which is neutral and polar, at codon 616 of the TRPV4 protein (p.Arg616Gln). This variant is not present in population databases (gnomAD no frequency). This missense change has been observed in individuals with autosomal dominant brachyolmia (PMID: 18587396, 24677493). It has also been observed to segregate with disease in related individuals. ClinVar contains an entry for this variant (Variation ID: 4992). Advanced modeling of protein sequence and biophysical properties (such as structural, functional, and spatial information, amino acid conservation, physicochemical variation, residue mobility, and thermodynamic stability) has been performed at Invitae for this missense variant, however the output from this modeling did not meet the statistical confidence thresholds required to predict the impact of this variant on TRPV4 protein function. Experimental studies have shown that this missense change affects TRPV4 function (PMID: 18587396, 21573172). For these reasons, this variant has been classified as Pathogenic.

Clinical Genetics and Genomics, Karolinska University Hospital
Classification: Pathogenic. Last evaluated: 2018-11-20. Review status: criteria provided, single submitter. Criteria: ACMG Guidelines, 2015. Collection method: clinical testing. Allele origin: germline. Affected: yes. Observed: 2 variant alleles.

Blueprint Genetics
Classification: Pathogenic for TRPV4-related disorders. Last evaluated: 2018-06-19. Review status: criteria provided, single submitter. Criteria: ACMG Guidelines, 2015. Collection method: clinical testing. Allele origin: germline. Affected: yes. Observed: 1 variant allele.

OMIM
Classification: Pathogenic for BRACHYOLMIA TYPE 3. Last evaluated: 2008-08-01. Review status: no assertion criteria provided. Collection method: literature only. Allele origin: germline. Not counted in ClinVar's aggregate classification.

GeneReviews
No classification provided. Condition: Skeletal dysplasia. Review status: no classification provided. Collection method: literature only. Allele origin: germline. Affected: yes. Not counted in ClinVar's aggregate classification.

Literature cited by the submitters: PubMed 18587396 (cited by Labcorp Genetics (formerly Invitae), Labcorp and OMIM); PubMed 24677493 (cited by Labcorp Genetics (formerly Invitae), Labcorp and OMIM); PubMed 21573172 (cited by Labcorp Genetics (formerly Invitae), Labcorp); NCBI Bookshelf NBK201366 (cited by GeneReviews).

NM_021625.5(TRPV4):c.1847G>A (p.Arg616Gln)

Gene: TRPV4 (transient receptor potential cation channel subfamily V member 4; minus strand). Cytogenetic location: 12q24.11.
Variant type: single nucleotide variant.
Coding change: c.1847G>A on transcript NM_021625.5 (MANE Select); coding-DNA position 1847, G replaced by A.
Protein change: p.Arg616Gln; replaces arginine 616 with glutamine.
Molecular consequence: missense variant.
Genome position (GRCh38, 1-based): chr12:109,792,407, C>T on the plus strand (G>A on the coding strand, the complement: TRPV4 is on the minus strand). VCF-style: chr12-109792407-C-T. GRCh37 (hg19) VCF-style: chr12-110230212-C-T.
Other names: R616Q; c.1745G>A, p.Arg582Gln (NM_001177431.2); c.1526G>A, p.Arg509Gln (NM_001177433.2); c.1667G>A, p.Arg556Gln (NM_147204.3); c.1706G>A, p.Arg569Gln (NM_001177428.2); short protein forms R509Q, R569Q, R582Q, R556Q.
Identifiers: ClinVar variation 4992 (VCV000004992.10), dbSNP rs121912632, ClinGen allele CA117164.